The following is an entry in ClinVar:

NM_004360.5(CDH1):c.1982G>C (p.Gly661Ala)

Gene: CDH1 (cadherin 1; plus strand). Cytogenetic location: 16q22.1.
Variant type: single nucleotide variant.
Coding change: c.1982G>C on transcript NM_004360.5 (MANE Select); coding-DNA position 1982, G replaced by C.
Protein change: p.Gly661Ala; replaces glycine 661 with alanine.
Molecular consequence: missense variant.
Genome position (GRCh38, 1-based): chr16:68,823,444, G>C. VCF-style: chr16-68823444-G-C. GRCh37 (hg19) VCF-style: chr16-68857347-G-C.
Other names: c.1799G>C, p.Gly600Ala (NM_001317184.2); c.434G>C, p.Gly145Ala (NM_001317185.2); c.17G>C, p.Gly6Ala (NM_001317186.2); short protein forms G145A, G600A, G661A, G6A.
Identifiers: ClinVar variation 4533072 (VCV004533072.1).

ClinVar aggregate classification (germline): Uncertain significance (1 of 4 stars; one submission).

Submission:

Quest Diagnostics Nichols Institute San Juan Capistrano
Classification: Uncertain significance. Last evaluated: 2025-08-06. Review status: criteria provided, single submitter. Criteria: Quest Diagnostics criteria. Collection method: clinical testing. Allele origin: unknown.
Comment: The CDH1 c.1982G>C (p.Gly661Ala) variant has not been reported in individuals with CDH1-related conditions in the published literature. This variant also has not been reported in large, multi-ethnic general populations (Genome Aggregation Database). Analysis of this variant using bioinformatics tools for the prediction of the effect of amino acid changes on protein structure and function yielded predictions that this variant is damaging. Based on the available information, we are unable to determine the clinical significance of this variant.